The following is an entry in ClinVar:

NM_032193.4(RNASEH2C):c.166C>G (p.Pro56Ala)

Genes: RNASEH2C (ribonuclease H2 subunit C; minus strand), LOC130006061 (ATAC-STARR-seq lymphoblastoid silent region 3553; plus strand). Cytogenetic location: 11q13.1.
Variant type: single nucleotide variant.
Coding change: c.166C>G on transcript NM_032193.4 (MANE Select); coding-DNA position 166, C replaced by G.
Protein change: p.Pro56Ala; replaces proline 56 with alanine.
Molecular consequence: missense variant.
Genome position (GRCh38, 1-based): chr11:65,720,593, G>C on the plus strand (C>G on the coding strand, the complement: RNASEH2C is on the minus strand). VCF-style: chr11-65720593-G-C. GRCh37 (hg19) VCF-style: chr11-65488064-G-C.
Other names: short protein forms P56A.
Identifiers: ClinVar variation 1415048 (VCV001415048.8), dbSNP rs1857359394, ClinGen allele CA381299105.

ClinVar aggregate classification (germline): Uncertain significance (1 of 4 stars; one submission).

Conditions:
Aicardi-Goutieres syndrome 3. Identifiers: Orphanet 51, MedGen C1835916, MONDO:0012471, OMIM 610329.

Submission:

Labcorp Genetics (formerly Invitae), Labcorp
Classification: Uncertain significance for Aicardi-Goutieres syndrome 3. Last evaluated: 2021-03-19. Review status: criteria provided, single submitter. Criteria: Invitae Variant Classification Sherloc (09022015). Collection method: clinical testing. Allele origin: germline.
Comment: This sequence change replaces proline with alanine at codon 56 of the RNASEH2C protein (p.Pro56Ala). The proline residue is weakly conserved and there is a small physicochemical difference between proline and alanine. In summary, the available evidence is currently insufficient to determine the role of this variant in disease. Therefore, it has been classified as a Variant of Uncertain Significance. Algorithms developed to predict the effect of missense changes on protein structure and function output the following: SIFT: "Tolerated"; PolyPhen-2: "Benign"; Align-GVGD: "Class C0". The alanine amino acid residue is found in multiple mammalian species, suggesting that this missense change does not adversely affect protein function. These predictions have not been confirmed by published functional studies and their clinical significance is uncertain. This variant has not been reported in the literature in individuals with RNASEH2C-related conditions. The frequency data for this variant in the population databases is considered unreliable, as metrics indicate insufficient coverage at this position in the ExAC database.